The following is an entry in ClinVar:

NM_000303.3(PMM2):c.523G>C (p.Gly175Arg)

Gene: PMM2 (phosphomannomutase 2; plus strand). Cytogenetic location: 16p13.2.
Variant type: single nucleotide variant.
Coding change: c.523G>C on transcript NM_000303.3 (MANE Select); coding-DNA position 523, G replaced by C.
Protein change: p.Gly175Arg; replaces glycine 175 with arginine.
Molecular consequence: missense variant.
Genome position (GRCh38, 1-based): chr16:8,811,713, G>C. VCF-style: chr16-8811713-G-C. GRCh37 (hg19) VCF-style: chr16-8905570-G-C.
Other names: c.523G>C (NM_000303.2); short protein forms G175R.
Identifiers: ClinVar variation 2445693 (VCV002445693.5), dbSNP rs941830625, ClinGen allele CA277491405.

ClinVar aggregate classification (germline): Conflicting classifications of pathogenicity. Review status: criteria provided, conflicting classifications (1 of 4 stars). 2 submissions from 2 submitters: Likely pathogenic (1); Uncertain significance (1). Last evaluated 2024-02-02.

Conditions:
PMM2-congenital disorder of glycosylation. Also called: PMM2-CDG; CDG Ia; JAEKEN SYNDROME; PHOSPHOMANNOMUTASE 2 DEFICIENCY; CARBOHYDRATE-DEFICIENT GLYCOPROTEIN SYNDROME, TYPE Ia; Congenital disorder of glycosylation, type Ia. Identifiers: Orphanet 79318, MedGen C0349653, MONDO:0008907, OMIM 212065.

Allele frequency attached by ClinVar (database versions not stated): TOPMed below 0.00001; gnomAD exomes 0.00002.
gnomAD v4.1: 24 of 1,602,230 alleles (0.0015%); highest among the groups gnomAD compares: Non-Finnish European, 0.002%; no homozygotes.

Submissions (2):

Fulgent Genetics
Classification: Likely pathogenic for PMM2-congenital disorder of glycosylation. Last evaluated: 2024-02-02. Review status: criteria provided, single submitter. Criteria: ACMG Guidelines, 2015. Collection method: clinical testing. Allele origin: germline.

Women's Health and Genetics/Laboratory Corporation of America, LabCorp
Classification: Uncertain significance. Last evaluated: 2023-02-28. Review status: criteria provided, single submitter. Criteria: LabCorp Variant Classification Summary - May 2015. Collection method: clinical testing. Allele origin: germline.
Comment: Variant summary: PMM2 c.523G>C (p.Gly175Arg) results in a non-conservative amino acid change in the encoded protein sequence. Five of five in-silico tools predict a damaging effect of the variant on protein function. Several computational tools predict a significant impact on normal splicing: One predicts the variant abolishes a canonical 5' splicing donor site, while three predict the variant abolishes a non-canonical 3' acceptor site. However, these predictions have yet to be confirmed by functional studies. The variant was absent in 251434 control chromosomes (gnomAD). The available data on variant occurrences in the general population are insufficient to allow any conclusion about variant significance. c.523G>C has been reported in the literature in the compound heterozygous state in at least one individual affected with Congenital Disorder Of Glycosylation Type 1a (e.g. Matthijs_1998, Bjursell_2000). These data do not allow any strong conclusion about variant significance. To our knowledge, no experimental evidence demonstrating an impact on protein function has been reported. No clinical diagnostic laboratories have submitted clinical-significance assessments for this variant to ClinVar after 2014. Based on the evidence outlined above, the variant was classified as uncertain significance.

Literature cited by the submitters: PubMed 9497260 (cited by Women's Health and Genetics/Laboratory Corporation of America, LabCorp); PubMed 11058896 (cited by Women's Health and Genetics/Laboratory Corporation of America, LabCorp).